The following is an entry in ClinVar:

NM_004519.4(KCNQ3):c.*6046G>A

Gene: KCNQ3 (potassium voltage-gated channel subfamily Q member 3; minus strand). Cytogenetic location: 8q24.22.
Variant type: single nucleotide variant.
Coding change: c.*6046G>A on transcript NM_004519.4 (MANE Select); 6046 bases downstream of the stop codon, G replaced by A.
Molecular consequence: 3 prime UTR variant.
Genome position (GRCh38, 1-based): chr8:132,123,216, C>T on the plus strand (G>A on the coding strand, the complement: KCNQ3 is on the minus strand). VCF-style: chr8-132123216-C-T. GRCh37 (hg19) VCF-style: chr8-133135463-C-T.
Other names: c.*6046G>A (NM_001204824.2).
Identifiers: ClinVar variation 1701556 (VCV001701556.31), dbSNP rs565715084, ClinGen allele CA185426572.

ClinVar aggregate classification (germline): Benign (1 of 4 stars; one submission).

Allele frequency attached by ClinVar (database versions not stated): gnomAD 0.00021; 1000 Genomes Project 30x 0.00172; 1000 Genomes Project 0.00180.

Submission:

CeGaT Center for Human Genetics Tuebingen
Classification: Benign. Last evaluated: 2022-07-01. Review status: criteria provided, single submitter. Criteria: CeGaT Center For Human Genetics Tuebingen Variant Classification Criteria Version 2. Collection method: clinical testing. Allele origin: germline. Affected: yes. Observed: 1 variant allele.
Comment: KCNQ3: BS1, BS2